The following is an entry in ClinVar:

NC_000001.10:g.(?_161284158)_(161284225_?)dup

Gene: SDHC (succinate dehydrogenase complex subunit C; plus strand). Cytogenetic location: 1q23.3.
Variant type: Duplication.
Identifiers: ClinVar variation 1374267 (VCV001374267.14).

ClinVar aggregate classification (germline): Uncertain significance (1 of 4 stars; one submission).

Conditions:
Pheochromocytoma/paraganglioma syndrome 3. Also called: GLOMUS TUMORS, FAMILIAL, 3; Paragangliomas 3; SDHC-Related Hereditary Paraganglioma-Pheochromocytoma Syndrome (Paragangliomas 3); SDHC-Related Hereditary Paraganglioma-Pheochromocytoma Syndrome. Identifiers: Orphanet 29072, MedGen C1854336, MONDO:0011544, OMIM 605373.
Gastrointestinal stromal tumor. Also called: Gastrointestinal stroma tumor; Gastrointestinal stromal tumor, somatic. Identifiers: Orphanet 44890, MedGen C0238198, MeSH D046152, MONDO:0011719, OMIM 606764, HP:0100723.

Submission:

Labcorp Genetics (formerly Invitae), Labcorp
Classification: Uncertain significance for Pheochromocytoma/paraganglioma syndrome 3; Gastrointestinal stromal tumor. Last evaluated: 2023-06-29. Review status: criteria provided, single submitter. Criteria: Invitae Variant Classification Sherloc (09022015). Collection method: clinical testing. Allele origin: germline.
Comment: In summary, the available evidence is currently insufficient to determine the role of this variant in disease. Therefore, it has been classified as a Variant of Uncertain Significance. This variant has not been reported in the literature in individuals affected with SDHC-related conditions. This variant results in a copy number gain of the genomic region encompassing exon(s) 1 of the SDHC gene. This region includes the initiator codon of the gene. This copy number gain extends beyond the assayed region for this gene and therefore may encompass additional genes. As the precise location of this event is unknown, it may be in tandem or it may be located elsewhere in the genome.